The following is an entry in ClinVar:

NM_000329.3(RPE65):c.1396_1397dup (p.Pro467fs)

Gene: RPE65 (retinoid isomerohydrolase RPE65; minus strand). Cytogenetic location: 1p31.3.
Variant type: Duplication.
Coding change: c.1396_1397dup on transcript NM_000329.3 (MANE Select); coding-DNA positions 1396 to 1397, 2 bases duplicated (TA; older notation c.1396_1397dupTA).
Protein change: p.Pro467fs; shifts the reading frame from proline 467.
Molecular consequence: frameshift variant.
Genome position (GRCh38, 1-based): chr1:68,431,118-68,431,119, TA duplicated on the plus strand (TA on the coding strand, the reverse complement: RPE65 is on the minus strand); duplicating any 2 consecutive bases within chr1:68,431,118-68,431,120 gives the same sequence; the c. name uses the placement nearest the transcript's 3' end. VCF-style (leftmost placement, unchanged base first): chr1-68431117-G-GTA. GRCh37 (hg19) VCF-style: chr1-68896800-G-GTA.
Other names: NM_000329.3(RPE65):c.1396_1397dup; p.Pro467fs; c.1288_1289dup, p.Pro431fs (NM_001406853.1); c.1120_1121dup, p.Pro375fs (NM_001406856.1, NM_001406857.1); short protein forms P375fs, P467fs, P431fs.
Identifiers: ClinVar variation 2945021 (VCV002945021.4), dbSNP rs2523401629, ClinGen allele CA2740090757.
Genomic context (GRCh38, chr1:68,431,117, plus strand): 5'-TTCATTACCATCATCTTCTTCCAAGGCATCTGGGTGAGAAACAAAGATGGGTTCTGATGG[G>GTA]TATGAATCAGGCTCTTGCCAAACCCAAGTTTCTTTAGTTTTGACATTCAGCTTACAGAGC-3'

ClinVar aggregate classification (germline): Likely pathogenic. Review status: reviewed by expert panel (3 of 4 stars). 2 submissions from 2 submitters: Likely pathogenic (1). 1 of the submissions does not count toward it. Last evaluated 2026-06-23.

Conditions:
RPE65-related recessive retinopathy. Also called: Recessive RPE65 retinopathy. Identifiers: MedGen CN305526, MONDO:0100368.
Retinitis pigmentosa 20 (RP20). Identifiers: Orphanet 791, MedGen C3151086, MONDO:0013425, OMIM 613794.
Leber congenital amaurosis 2 (LCA2). Also called: AMAUROSIS CONGENITA OF LEBER II; Autosomal Recessive RPE65-Related Retinal Degeneration. Identifiers: Orphanet 65, MedGen C1859844, MONDO:0008765, OMIM 204100. Disease mechanism: loss of function.

Submissions (2):

ClinGen Leber Congenital Amaurosis/early Onset Retinal Dystrophy Variant Curation Expert Panel, ClinGen
Classification: Likely pathogenic for RPE65-related recessive retinopathy. Last evaluated: 2026-06-23. Review status: reviewed by expert panel. Criteria: ClinGen LCAeoRD ACMG Specifications RPE65 V1.0.0. Collection method: curation. Allele origin: germline. Inheritance: Autosomal recessive inheritance.
Comment: NM_000329.3(RPE65):c.1396_1397dup (p.Pro467ThrfsTer20) is a frameshift variant that introduces a premature stop codon into exon 13 of 14, and is predicted to lead to nonsense-mediated decay in a gene in which loss-of-function is an established mechanism of disease (PVS1).This variant is absent from gnomAD v4.1.0 (PM2_Supporting). A ClinVar submission from LabCorp reports the variant as Pathogenic but does not appear to refer to an affected patient (ClinVar Accession #: SCV004591119.3). In summary, this variant meets the criteria to be classified as Likely Pathogenic for RPE65-related recessive retinopathy based on the ACMG/AMP criteria applied, as specified by the ClinGen LCA/eoRD VCEP: PVS1 and PM2_Supporting. (VCEP specifications version 1.0.0; date of approval 09/21/2023).

Labcorp Genetics (formerly Invitae), Labcorp
Classification: Pathogenic for Leber congenital amaurosis 2; Retinitis pigmentosa 20. Last evaluated: 2023-04-03. Review status: criteria provided, single submitter. Criteria: Invitae Variant Classification Sherloc (09022015). Collection method: clinical testing. Allele origin: germline. Not counted in ClinVar's aggregate classification.
Comment: This variant disrupts a region of the RPE65 protein in which other variant(s) (p.Arg515Trp) have been determined to be pathogenic (PMID: 15557452, 25495949, 25752820, 31273949). This suggests that this is a clinically significant region of the protein, and that variants that disrupt it are likely to be disease-causing. This sequence change creates a premature translational stop signal (p.Pro467Thrfs*20) in the RPE65 gene. While this is not anticipated to result in nonsense mediated decay, it is expected to disrupt the last 67 amino acid(s) of the RPE65 protein. This variant is not present in population databases (gnomAD no frequency). This variant has not been reported in the literature in individuals affected with RPE65-related conditions. For these reasons, this variant has been classified as Pathogenic.

Literature cited by the submitters: PubMed 15557452 (cited by Labcorp Genetics (formerly Invitae), Labcorp); PubMed 25495949 (cited by Labcorp Genetics (formerly Invitae), Labcorp); PubMed 25752820 (cited by Labcorp Genetics (formerly Invitae), Labcorp); PubMed 31273949 (cited by Labcorp Genetics (formerly Invitae), Labcorp).